The following is an entry in ClinVar:

ClinVar aggregate classification (germline): Uncertain significance (1 of 4 stars; one submission).

Conditions:
Dilated cardiomyopathy 1JJ (CMD1JJ). Identifiers: Orphanet 154, MedGen C3808935, MONDO:0014095, OMIM 615235.

Submission:

Labcorp Genetics (formerly Invitae), Labcorp
Classification: Uncertain significance for Dilated cardiomyopathy 1JJ. Last evaluated: 2023-11-27. Review status: criteria provided, single submitter. Criteria: Invitae Variant Classification Sherloc (09022015). Collection method: clinical testing. Allele origin: germline.
Comment: This sequence change replaces lysine, which is basic and polar, with asparagine, which is neutral and polar, at codon 288 of the LAMA4 protein (p.Lys288Asn). This variant is not present in population databases (gnomAD no frequency). This variant has not been reported in the literature in individuals affected with LAMA4-related conditions. An algorithm developed to predict the effect of missense changes on protein structure and function (PolyPhen-2) suggests that this variant is likely to be disruptive. In summary, the available evidence is currently insufficient to determine the role of this variant in disease. Therefore, it has been classified as a Variant of Uncertain Significance.

NM_001105206.3(LAMA4):c.885A>C (p.Lys295Asn)

Gene: LAMA4 (laminin subunit alpha 4; minus strand). Cytogenetic location: 6q21.
Variant type: single nucleotide variant.
Coding change: c.885A>C on transcript NM_001105206.3 (MANE Select); coding-DNA position 885, A replaced by C.
Protein change: p.Lys295Asn; replaces lysine 295 with asparagine.
Molecular consequence: missense variant.
Genome position (GRCh38, 1-based): chr6:112,187,531, T>G on the plus strand (A>C on the coding strand, the complement: LAMA4 is on the minus strand). VCF-style: chr6-112187531-T-G. GRCh37 (hg19) VCF-style: chr6-112508733-T-G.
Other names: c.864A>C, p.Lys288Asn (NM_001105207.3, NM_002290.5); short protein forms K288N, K295N.
Identifiers: ClinVar variation 2699218 (VCV002699218.3), dbSNP rs2547141016, ClinGen allele CA365376114.